The following is an entry in ClinVar:

ClinVar aggregate classification (germline): Uncertain significance (1 of 4 stars; one submission).

Conditions:
Emery-Dreifuss muscular dystrophy 5, autosomal dominant (EDMD5). Also called: EMERY-DREIFUSS MUSCULAR DYSTROPHY 5. Identifiers: Orphanet 261, MedGen C2751805, MONDO:0013072, OMIM 612999.

Submission:

Labcorp Genetics (formerly Invitae), Labcorp
Classification: Uncertain significance for Emery-Dreifuss muscular dystrophy 5, autosomal dominant. Last evaluated: 2024-11-03. Review status: criteria provided, single submitter. Criteria: Invitae Variant Classification Sherloc (09022015). Collection method: clinical testing. Allele origin: germline.
Comment: This sequence change replaces leucine, which is neutral and non-polar, with isoleucine, which is neutral and non-polar, at codon 5467 of the SYNE2 protein (p.Leu5467Ile). This variant is not present in population databases (gnomAD no frequency). This variant has not been reported in the literature in individuals affected with SYNE2-related conditions. An algorithm developed to predict the effect of missense changes on protein structure and function (PolyPhen-2) suggests that this variant is likely to be disruptive. In summary, the available evidence is currently insufficient to determine the role of this variant in disease. Therefore, it has been classified as a Variant of Uncertain Significance.

NM_182914.3(SYNE2):c.16399C>A (p.Leu5467Ile)

Gene: SYNE2 (spectrin repeat containing nuclear envelope protein 2; plus strand). Cytogenetic location: 14q23.2.
Variant type: single nucleotide variant.
Coding change: c.16399C>A on transcript NM_182914.3 (MANE Select); coding-DNA position 16399, C replaced by A.
Protein change: p.Leu5467Ile; replaces leucine 5467 with isoleucine.
Molecular consequence: missense variant.
Genome position (GRCh38, 1-based): chr14:64,163,501, C>A. VCF-style: chr14-64163501-C-A. GRCh37 (hg19) VCF-style: chr14-64630219-C-A.
Other names: c.16399C>A, p.Leu5467Ile (NM_015180.6); short protein forms L5467I.
Identifiers: ClinVar variation 3671706 (VCV003671706.2).